The following is an entry in ClinVar:

ClinVar aggregate classification (germline): Uncertain significance (1 of 4 stars; one submission).

gnomAD v4.1: 1 of 1,613,930 alleles (0.000062%); highest among the groups gnomAD compares: African/African-American, 0.0013%; no homozygotes.

Submission:

Labcorp Genetics (formerly Invitae), Labcorp
Classification: Uncertain significance. Last evaluated: 2025-11-25. Review status: criteria provided, single submitter. Criteria: Invitae Variant Classification Sherloc (09022015). Collection method: clinical testing. Allele origin: germline.
Comment: This sequence change replaces leucine, which is neutral and non-polar, with phenylalanine, which is neutral and non-polar, at codon 1329 of the SON protein (p.Leu1329Phe). This variant is present in population databases (no rsID available, gnomAD 0.007%). This variant has not been reported in the literature in individuals affected with SON-related conditions. An algorithm developed to predict the effect of missense changes on protein structure and function (PolyPhen-2) suggests that this variant is likely to be disruptive. In summary, the available evidence is currently insufficient to determine the role of this variant in disease. Therefore, it has been classified as a Variant of Uncertain Significance.

NM_138927.4(SON):c.3987G>C (p.Leu1329Phe)

Gene: SON (SON DNA and RNA binding protein; plus strand). Cytogenetic location: 21q22.11.
Variant type: single nucleotide variant.
Coding change: c.3987G>C on transcript NM_138927.4 (MANE Select); coding-DNA position 3987, G replaced by C.
Protein change: p.Leu1329Phe; replaces leucine 1329 with phenylalanine.
Molecular consequence: missense variant. On other transcripts: non-coding transcript variant (1), intron variant (1).
Genome position (GRCh38, 1-based): chr21:33,553,218, G>C. VCF-style: chr21-33553218-G-C. GRCh37 (hg19) VCF-style: chr21-34925524-G-C.
Other names: c.3987G>C, p.Leu1329Phe (NM_001291411.2, NM_032195.3); c.245-3938G>C (NM_001291412.3); short protein forms L1329F.
Identifiers: ClinVar variation 4731924 (VCV004731924.1).
Genomic context (GRCh38, chr21:33,553,218, plus strand): 5'-AGAAACATTTGATTCCATGAGAGCCTCAGGACATGTTGCCTCAGAAGTATCTACATCCTT[G>C]TTGGTTCCAGCAGTAACTACTCCAGTGCTGGCAGAGAGCATTCTGGAGCCGCCAGCCATG-3'
Protein context (NP_620305.3, residues 1319-1339): GHVASEVSTS[Leu1329Phe]LVPAVTTPVL